The following is an entry in ClinVar:

NM_020442.6(VARS2):c.2545G>A (p.Gly849Ser)

Gene: VARS2 (valyl-tRNA synthetase 2, mitochondrial; plus strand). Cytogenetic location: 6p21.33.
Variant type: single nucleotide variant.
Coding change: c.2545G>A on transcript NM_020442.6 (MANE Select); coding-DNA position 2545, G replaced by A.
Protein change: p.Gly849Ser; replaces glycine 849 with serine.
Molecular consequence: missense variant.
Genome position (GRCh38, 1-based): chr6:30,924,432, G>A. VCF-style: chr6-30924432-G-A. GRCh37 (hg19) VCF-style: chr6-30892209-G-A.
Other names: c.2635G>A, p.Gly879Ser (NM_001167734.2); c.2125G>A, p.Gly709Ser (NM_001167733.3); short protein forms G709S, G849S, G879S.
Identifiers: ClinVar variation 1478640 (VCV001478640.8), dbSNP rs921016854, ClinGen allele CA136812459.
Genomic context (GRCh38, chr6:30,924,432, plus strand): 5'-CTGTGGCACTCGCCCCGCCCCCTGGGGCCCCCTCAGGTCCTGTTCTCCTGCGCTGACCTC[G>A]GCCTCCGCCTCCTGGCCCCACTGATGCCCTTCCTGGCTGAAGAGCTCTGGCAGAGGCTGC-3'
Protein context (NP_065175.4, residues 839-859): PQVLFSCADL[Gly849Ser]LRLLAPLMPF

ClinVar aggregate classification (germline): Uncertain significance (1 of 4 stars; one submission).

Allele frequency attached by ClinVar (database versions not stated): gnomAD exomes below 0.00001.

Submission:

Labcorp Genetics (formerly Invitae), Labcorp
Classification: Uncertain significance. Last evaluated: 2024-01-29. Review status: criteria provided, single submitter. Criteria: Invitae Variant Classification Sherloc (09022015). Collection method: clinical testing. Allele origin: germline.
Comment: This sequence change replaces glycine, which is neutral and non-polar, with serine, which is neutral and polar, at codon 879 of the VARS2 protein (p.Gly879Ser). The frequency data for this variant in the population databases is considered unreliable, as metrics indicate poor data quality at this position in the gnomAD database. This variant has not been reported in the literature in individuals affected with VARS2-related conditions. ClinVar contains an entry for this variant (Variation ID: 1478640). Advanced modeling of protein sequence and biophysical properties (such as structural, functional, and spatial information, amino acid conservation, physicochemical variation, residue mobility, and thermodynamic stability) performed at Invitae indicates that this missense variant is not expected to disrupt VARS2 protein function with a negative predictive value of 80%. In summary, the available evidence is currently insufficient to determine the role of this variant in disease. Therefore, it has been classified as a Variant of Uncertain Significance.